The following is an entry in ClinVar:

NM_000312.4(PROC):c.1333A>C (p.Ile445Leu)

Gene: PROC (protein C, inactivator of coagulation factors Va and VIIIa; plus strand). Cytogenetic location: 2q14.3.
Variant type: single nucleotide variant.
Coding change: c.1333A>C on transcript NM_000312.4 (MANE Select); coding-DNA position 1333, A replaced by C.
Protein change: p.Ile445Leu; replaces isoleucine 445 with leucine.
Molecular consequence: missense variant.
Genome position (GRCh38, 1-based): chr2:127,428,893, A>C. VCF-style: chr2-127428893-A-C. GRCh37 (hg19) VCF-style: chr2-128186469-A-C.
Other names: p.Ile445Leu; c.1516A>C, p.Ile506Leu (NM_001375602.1); c.1498A>C, p.Ile500Leu (NM_001375603.1); c.1396A>C, p.Ile466Leu (NM_001375604.1); c.1435A>C, p.Ile479Leu (NM_001375605.1); c.1501A>C, p.Ile501Leu (NM_001375606.1); c.1519A>C, p.Ile507Leu (NM_001375607.1); c.1276A>C, p.Ile426Leu (NM_001375608.1); and 3 more; short protein forms I426L, I466L, I479L, I445L, I500L, I501L, I506L, I507L.
Identifiers: ClinVar variation 948076 (VCV000948076.20), dbSNP rs200012319, ClinGen allele CA1859569.
Genomic context (GRCh38, chr2:127,428,893, plus strand): 5'-GGCTGTGGGCTCCTTCACAACTACGGCGTTTACACCAAAGTCAGCCGCTACCTCGACTGG[A>C]TCCATGGGCACATCAGAGACAAGGAAGCCCCCCAGAAGAGCTGGGCACCTTAGCGACCCT-3'
Protein context (NP_000303.1, residues 435-455): YTKVSRYLDW[Ile445Leu]HGHIRDKEAP

ClinVar aggregate classification (germline): Uncertain significance. Review status: criteria provided, multiple submitters, no conflicts (2 of 4 stars). 5 submissions from 5 submitters: Uncertain significance (5). Last evaluated 2025-10-14.

Conditions:
Thrombophilia due to protein C deficiency, autosomal recessive. Also called: PROC DEFICIENCY, AUTOSOMAL RECESSIVE; PROTEIN C DEFICIENCY, AUTOSOMAL RECESSIVE. Identifiers: Orphanet 745, MedGen C2676759, MONDO:0012860, OMIM 612304.
Thrombophilia due to protein C deficiency, autosomal dominant. Also called: PROC DEFICIENCY, AUTOSOMAL DOMINANT; PROTEIN C DEFICIENCY, AUTOSOMAL DOMINANT. Identifiers: Orphanet 745, MedGen C2674321, MONDO:0008316, OMIM 176860. Disease mechanism: loss of function.

Allele frequency attached by ClinVar (database versions not stated): gnomAD 0.00001 and 0.00003; TOPMed 0.00003; ExAC 0.00007; gnomAD exomes 0.00007 and 0.00009.
gnomAD v4.1: 127 of 1,613,786 alleles (0.0079%); highest among the groups gnomAD compares: South Asian, 0.068%; no homozygotes.

Submissions (5):

Mayo Clinic Laboratories, Mayo Clinic
Classification: Uncertain significance. Last evaluated: 2025-10-14. Review status: criteria provided, single submitter. Criteria: ACMG Guidelines, 2015. Collection method: clinical testing. Allele origin: germline. Observed: 2 variant alleles.
Comment: PP3, PM2_supporting, PM5, PS4_supporting

CeGaT Center for Human Genetics Tuebingen
Classification: Uncertain significance. Last evaluated: 2024-11-01. Review status: criteria provided, single submitter. Criteria: CeGaT Center For Human Genetics Tuebingen Variant Classification Criteria Version 2. Collection method: clinical testing. Allele origin: germline. Affected: yes. Observed: 1 variant allele.
Comment: PROC: PM5

Fulgent Genetics
Classification: Uncertain significance for Thrombophilia due to protein C deficiency, autosomal dominant; Thrombophilia due to protein C deficiency, autosomal recessive. Last evaluated: 2021-09-24. Review status: criteria provided, single submitter. Criteria: ACMG Guidelines, 2015. Collection method: clinical testing. Allele origin: unknown.

Labcorp Genetics (formerly Invitae), Labcorp
Classification: Uncertain significance for Thrombophilia due to protein C deficiency, autosomal dominant. Last evaluated: 2021-09-01. Review status: criteria provided, single submitter. Criteria: Invitae Variant Classification Sherloc (09022015). Collection method: clinical testing. Allele origin: germline.
Comment: This sequence change replaces isoleucine with leucine at codon 445 of the PROC protein (p.Ile445Leu). The isoleucine residue is highly conserved and there is a small physicochemical difference between isoleucine and leucine. This variant is present in population databases (rs200012319, ExAC 0.05%). This missense change has been observed in individual(s) with protein C deficiency (PMID: 7670104). This variant is also known as I403L. Algorithms developed to predict the effect of missense changes on protein structure and function are either unavailable or do not agree on the potential impact of this missense change (SIFT: "Deleterious"; PolyPhen-2: "Possibly Damaging"; Align-GVGD: "Class C0"). In summary, the available evidence is currently insufficient to determine the role of this variant in disease. Therefore, it has been classified as a Variant of Uncertain Significance.

ISTH-SSC Genomics in Thrombosis and Hemostasis, KU Leuven, Center for Molecular and Vascular Biology
Classification: Uncertain significance for Thrombophilia due to protein C deficiency, autosomal dominant. Last evaluated: 2020-01-01. Review status: criteria provided, single submitter. Criteria: ACMG Guidelines, 2015. Collection method: clinical testing. Allele origin: unknown. Affected: yes.
Comment: Submitted to GoldVariant by Kathleen Freson, Center for Molecular and Vascular Biology, Leuven, Belgium

Literature cited by the submitters: PubMed 25039884 (cited by Mayo Clinic Laboratories, Mayo Clinic); PubMed 31680443 (cited by Mayo Clinic Laboratories, Mayo Clinic); PubMed 7670104 (cited by Mayo Clinic Laboratories, Mayo Clinic and Labcorp Genetics (formerly Invitae), Labcorp); PubMed 34355501 (cited by ISTH-SSC Genomics in Thrombosis and Hemostasis, KU Leuven, Center for Molecular and Vascular Biology).